The following is an entry in ClinVar:

NM_152703.5(SAMD9L):c.3647T>G (p.Phe1216Cys)

Gene: SAMD9L (sterile alpha motif domain containing 9 like; minus strand). Cytogenetic location: 7q21.2.
Variant type: single nucleotide variant.
Coding change: c.3647T>G on transcript NM_152703.5 (MANE Select); coding-DNA position 3647, T replaced by G.
Protein change: p.Phe1216Cys; replaces phenylalanine 1216 with cysteine.
Molecular consequence: missense variant.
Genome position (GRCh38, 1-based): chr7:93,132,325, A>C on the plus strand (T>G on the coding strand, the complement: SAMD9L is on the minus strand). VCF-style: chr7-93132325-A-C. GRCh37 (hg19) VCF-style: chr7-92761638-A-C.
Other names: c.3647T>G, p.Phe1216Cys (NM_001303496.3, NM_001303497.3, NM_001303498.3 and 5 more transcripts); c.3647T>G (NM_152703.2); short protein forms F1216C.
Identifiers: ClinVar variation 2135964 (VCV002135964.5), dbSNP rs2535410547, ClinGen allele CA368180829.

ClinVar aggregate classification (germline): Uncertain significance. Review status: criteria provided, multiple submitters, no conflicts (2 of 4 stars). 2 submissions from 2 submitters: Uncertain significance (2). Last evaluated 2025-12-28.

Conditions:
Inborn genetic diseases. Identifiers: MedGen C0950123, MeSH D030342.

Allele frequency attached by ClinVar (database versions not stated): gnomAD exomes below 0.00001.
gnomAD v4.1: 2 of 1,613,868 alleles (0.00012%); highest among the groups gnomAD compares: Non-Finnish European, 0.00017%; no homozygotes.

Submissions (2):

Ambry Genetics
Classification: Uncertain significance for Inborn genetic diseases. Last evaluated: 2025-12-28. Review status: criteria provided, single submitter. Criteria: Ambry Variant Classification Scheme 2023. Collection method: clinical testing. Allele origin: germline.
Comment: The p.F1216C variant (also known as c.3647T>G), located in coding exon 1 of the SAMD9L gene, results from a T to G substitution at nucleotide position 3647. The phenylalanine at codon 1216 is replaced by cysteine, an amino acid with highly dissimilar properties. This amino acid position is conserved. In addition, this alteration is predicted to be tolerated by in silico analysis. Based on the available evidence, the clinical significance of this variant remains unclear.

Labcorp Genetics (formerly Invitae), Labcorp
Classification: Uncertain significance. Last evaluated: 2022-05-09. Review status: criteria provided, single submitter. Criteria: Invitae Variant Classification Sherloc (09022015). Collection method: clinical testing. Allele origin: germline.
Comment: In summary, the available evidence is currently insufficient to determine the role of this variant in disease. Therefore, it has been classified as a Variant of Uncertain Significance. Algorithms developed to predict the effect of missense changes on protein structure and function output the following: SIFT: "Not Available"; PolyPhen-2: "Benign"; Align-GVGD: "Not Available". The cysteine amino acid residue is found in multiple mammalian species, which suggests that this missense change does not adversely affect protein function. This variant has not been reported in the literature in individuals affected with SAMD9L-related conditions. This variant is not present in population databases (gnomAD no frequency). This sequence change replaces phenylalanine, which is neutral and non-polar, with cysteine, which is neutral and slightly polar, at codon 1216 of the SAMD9L protein (p.Phe1216Cys).